The following is an entry in ClinVar:

NM_001103.4(ACTN2):c.589C>T (p.Leu197Phe)

Gene: ACTN2 (actinin alpha 2; plus strand). Cytogenetic location: 1q43.
Variant type: single nucleotide variant.
Coding change: c.589C>T on transcript NM_001103.4 (MANE Select); coding-DNA position 589, C replaced by T.
Protein change: p.Leu197Phe; replaces leucine 197 with phenylalanine.
Molecular consequence: missense variant. On other transcripts: 5 prime UTR variant (1).
Genome position (GRCh38, 1-based): chr1:236,727,730, C>T. VCF-style: chr1-236727730-C-T. GRCh37 (hg19) VCF-style: chr1-236891030-C-T.
Other names: c.589C>T, p.Leu197Phe (NM_001278343.2); c.-233C>T (NM_001278344.2); c.589C>T (NM_001103.2); short protein forms L197F.
Identifiers: ClinVar variation 1039081 (VCV001039081.12), dbSNP rs760937883, ClinGen allele CA1472844.

ClinVar aggregate classification (germline): Uncertain significance. Review status: criteria provided, multiple submitters, no conflicts (2 of 4 stars). 3 submissions from 3 submitters: Uncertain significance (3). Last evaluated 2023-05-19.

Conditions:
Dilated cardiomyopathy 1AA (CMD1AA). Also called: CARDIOMYOPATHY, FAMILIAL HYPERTROPHIC, 23, WITH OR WITHOUT LEFT VENTRICULAR NONCOMPACTION; Cardiomyopathy, dilated, 1AA, with or without LVNC; CARDIOMYOPATHY, DILATED, 1AA, WITH OR WITHOUT LEFT VENTRICULAR NONCOMPACTION. Identifiers: Orphanet 154, MedGen C2677338, MONDO:0012808, OMIM 612158.
Myopathy, congenital, with structured cores and z-line abnormalities. Also called: MULTIPLE STRUCTURED CORE DISEASE; CONGENITAL MYOPATHY 8. Identifiers: MedGen C5231445, MONDO:0032852, OMIM 618654.
Myopathy, distal, 6, adult-onset, autosomal dominant. Identifiers: MedGen C5203349, MONDO:0032853, OMIM 618655.
Primary familial hypertrophic cardiomyopathy (HCM). Identifiers: Orphanet 99739, MedGen C0949658, MeSH D024741, MONDO:0024573. Inheritance: Various modes of inheritance.
Cardiovascular phenotype. Identifiers: MedGen CN230736.

Allele frequency attached by ClinVar (database versions not stated): gnomAD exomes below 0.00001; ExAC 0.00001.
gnomAD v4.1: 1 of 1,614,134 alleles (0.000062%); highest among the groups gnomAD compares: Admixed American, 0.0017%; no homozygotes.

Submissions (3):

Ambry Genetics
Classification: Uncertain significance for Cardiovascular phenotype. Last evaluated: 2023-05-19. Review status: criteria provided, single submitter. Criteria: Ambry Variant Classification Scheme 2023. Collection method: clinical testing. Allele origin: germline.
Comment: The p.L197F variant (also known as c.589C>T), located in coding exon 6 of the ACTN2 gene, results from a C to T substitution at nucleotide position 589. The leucine at codon 197 is replaced by phenylalanine, an amino acid with highly similar properties. This amino acid position is conserved. In addition, this alteration is predicted to be deleterious by in silico analysis. Since supporting evidence is limited at this time, the clinical significance of this alteration remains unclear.

Fulgent Genetics
Classification: Uncertain significance for Dilated cardiomyopathy 1AA; Myopathy, congenital, with structured cores and z-line abnormalities; Myopathy, distal, 6, adult-onset, autosomal dominant. Last evaluated: 2021-08-11. Review status: criteria provided, single submitter. Criteria: ACMG Guidelines, 2015. Collection method: clinical testing. Allele origin: unknown.

Labcorp Genetics (formerly Invitae), Labcorp
Classification: Uncertain significance for Primary familial hypertrophic cardiomyopathy; Dilated cardiomyopathy 1AA. Last evaluated: 2020-10-15. Review status: criteria provided, single submitter. Criteria: Invitae Variant Classification Sherloc (09022015). Collection method: clinical testing. Allele origin: germline.
Comment: Advanced modeling of protein sequence and biophysical properties (such as structural, functional, and spatial information, amino acid conservation, physicochemical variation, residue mobility, and thermodynamic stability) performed at Invitae indicates that this missense variant is expected to disrupt ACTN2 protein function. In summary, the available evidence is currently insufficient to determine the role of this variant in disease. Therefore, it has been classified as a Variant of Uncertain Significance. This variant has not been reported in the literature in individuals with ACTN2-related conditions. This variant is present in population databases (rs760937883, ExAC 0.009%). This sequence change replaces leucine with phenylalanine at codon 197 of the ACTN2 protein (p.Leu197Phe). The leucine residue is highly conserved and there is a small physicochemical difference between leucine and phenylalanine.